The following is an entry in ClinVar:

ClinVar aggregate classification (germline): Uncertain significance (1 of 4 stars; one submission).

Conditions:
Focal segmental glomerulosclerosis 5 (FSGS5). Identifiers: Orphanet 656, MedGen C2750475, MONDO:0013191, OMIM 613237.
Charcot-Marie-Tooth disease dominant intermediate E. Also called: CHARCOT-MARIE-TOOTH NEUROPATHY WITH FOCAL SEGMENTAL GLOMERULONEPHRITIS. Identifiers: Orphanet 93114, MedGen C4302667, MONDO:0013758, OMIM 614455.

Allele frequency attached by ClinVar (database versions not stated): gnomAD exomes below 0.00001.
gnomAD v4.1: 2 of 1,613,588 alleles (0.00012%); highest among the groups gnomAD compares: Non-Finnish European, 0.00017%; no homozygotes.

Submission:

Labcorp Genetics (formerly Invitae), Labcorp
Classification: Uncertain significance for Charcot-Marie-Tooth disease dominant intermediate E; Focal segmental glomerulosclerosis 5. Last evaluated: 2022-07-13. Review status: criteria provided, single submitter. Criteria: Invitae Variant Classification Sherloc (09022015). Collection method: clinical testing. Allele origin: germline.
Comment: Algorithms developed to predict the effect of missense changes on protein structure and function output the following: SIFT: "Tolerated"; PolyPhen-2: "Not Available"; Align-GVGD: "Class C0". The arginine amino acid residue is found in multiple mammalian species, which suggests that this missense change does not adversely affect protein function. In summary, the available evidence is currently insufficient to determine the role of this variant in disease. Therefore, it has been classified as a Variant of Uncertain Significance. This variant is present in population databases (no rsID available, gnomAD 0.0009%). This variant has not been reported in the literature in individuals affected with INF2-related conditions. This sequence change replaces lysine, which is basic and polar, with arginine, which is basic and polar, at codon 1244 of the INF2 protein (p.Lys1244Arg).

NM_022489.4(INF2):c.3731A>G (p.Lys1244Arg)

Gene: INF2 (inverted formin 2; plus strand). Cytogenetic location: 14q32.33.
Variant type: single nucleotide variant.
Coding change: c.3731A>G on transcript NM_022489.4 (MANE Select); coding-DNA position 3731, A replaced by G.
Protein change: p.Lys1244Arg; replaces lysine 1244 with arginine.
Molecular consequence: missense variant. On other transcripts: intron variant (1).
Genome position (GRCh38, 1-based): chr14:104,715,320, A>G. VCF-style: chr14-104715320-A-G. GRCh37 (hg19) VCF-style: chr14-105181657-A-G.
Other names: c.3694+464A>G (NM_001031714.4); short protein forms K1244R.
Identifiers: ClinVar variation 2165121 (VCV002165121.4), dbSNP rs1342205609, ClinGen allele CA391226277.
Genomic context (GRCh38, chr14:104,715,320, plus strand): 5'-TGCGTTTCTTTTATTTGGAAGCAGAGGTTCCCCCTGATTCTGATGATAATAAAACAAAGA[A>G]ACTGTGTGTGATCCAGTAAGGTATGTACGCAGCCGGCGCTCCGTGGGGGCTAACAGCAGC-3'
Protein context (NP_071934.3, residues 1234-1249): PPDSDDNKTK[Lys1244Arg]LCVIQ